The following is an entry in ClinVar:

NM_000301.5(PLG):c.12G>A (p.Lys4=)

Gene: PLG (plasminogen; plus strand). Cytogenetic location: 6q26.
Variant type: single nucleotide variant.
Coding change: c.12G>A on transcript NM_000301.5 (MANE Select); coding-DNA position 12, G replaced by A.
Protein change: p.Lys4=; no amino-acid change (lysine 4 retained).
Molecular consequence: synonymous variant.
Genome position (GRCh38, 1-based): chr6:160,702,316, G>A. VCF-style: chr6-160702316-G-A. GRCh37 (hg19) VCF-style: chr6-161123348-G-A.
Other names: c.12G>A, p.Lys4= (NM_001168338.1).
Identifiers: ClinVar variation 738242 (VCV000738242.36), dbSNP rs4252061, ClinGen allele CA4087256.

ClinVar aggregate classification (germline): Likely benign. Review status: criteria provided, multiple submitters, no conflicts (2 of 4 stars). 5 submissions from 5 submitters: Likely benign (5). Last evaluated 2026-01-25.

Conditions:
Inborn genetic diseases. Identifiers: MedGen C0950123, MeSH D030342.

Allele frequency attached by ClinVar (database versions not stated): ESP Exome Variant Server 0.00017; 1000 Genomes Project 0.00020; gnomAD exomes 0.00020 and 0.00029; ExAC 0.00025; gnomAD 0.00027 and 0.00028; TOPMed 0.00030; 1000 Genomes Project 30x 0.00031.
gnomAD v4.1: 462 of 1,609,862 alleles (0.029%); highest among the groups gnomAD compares: Non-Finnish European, 0.036%; no homozygotes.

Submissions (5):

Labcorp Genetics (formerly Invitae), Labcorp
Classification: Likely benign. Last evaluated: 2026-01-25. Review status: criteria provided, single submitter. Criteria: Invitae Variant Classification Sherloc (09022015). Collection method: clinical testing. Allele origin: germline.

Blueprint Genetics
Classification: Likely benign. Last evaluated: 2024-11-01. Review status: criteria provided, single submitter. Criteria: ACMG Guidelines, 2015. Collection method: clinical testing. Allele origin: germline.

CeGaT Center for Human Genetics Tuebingen
Classification: Likely benign. Last evaluated: 2024-10-01. Review status: criteria provided, single submitter. Criteria: CeGaT Center For Human Genetics Tuebingen Variant Classification Criteria Version 2. Collection method: clinical testing. Allele origin: germline. Affected: yes. Observed: 2 variant alleles.
Comment: PLG: BP4, BP7

Women's Health and Genetics/Laboratory Corporation of America, LabCorp
Classification: Likely benign. Last evaluated: 2024-01-23. Review status: criteria provided, single submitter. Criteria: LabCorp Variant Classification Summary - May 2015. Collection method: clinical testing. Allele origin: germline.

Ambry Genetics
Classification: Likely benign for Inborn genetic diseases. Last evaluated: 2023-05-23. Review status: criteria provided, single submitter. Criteria: Ambry Variant Classification Scheme 2023. Collection method: clinical testing. Allele origin: germline.